The following is an entry in ClinVar:

NM_001287.6(CLCN7):c.54G>C (p.Glu18Asp)

Genes: CLCN7 (chloride voltage-gated channel 7; minus strand), LOC130058166 (ATAC-STARR-seq lymphoblastoid silent region 6986; plus strand). Cytogenetic location: 16p13.3.
Variant type: single nucleotide variant.
Coding change: c.54G>C on transcript NM_001287.6 (MANE Select); coding-DNA position 54, G replaced by C.
Protein change: p.Glu18Asp; replaces glutamic acid 18 with aspartic acid.
Molecular consequence: missense variant.
Genome position (GRCh38, 1-based): chr16:1,474,921, C>G on the plus strand (G>C on the coding strand, the complement: CLCN7 is on the minus strand). VCF-style: chr16-1474921-C-G. GRCh37 (hg19) VCF-style: chr16-1524922-C-G.
Other names: c.54G>C, p.Glu18Asp (NM_001114331.3); short protein forms E18D.
Identifiers: ClinVar variation 3630486 (VCV003630486.2).

ClinVar aggregate classification (germline): Uncertain significance (1 of 4 stars; one submission).

Submission:

Labcorp Genetics (formerly Invitae), Labcorp
Classification: Uncertain significance. Last evaluated: 2024-06-26. Review status: criteria provided, single submitter. Criteria: Invitae Variant Classification Sherloc (09022015). Collection method: clinical testing. Allele origin: germline.
Comment: This sequence change replaces glutamic acid, which is acidic and polar, with aspartic acid, which is acidic and polar, at codon 18 of the CLCN7 protein (p.Glu18Asp). This variant is not present in population databases (gnomAD no frequency). This variant has not been reported in the literature in individuals affected with CLCN7-related conditions. Advanced modeling of protein sequence and biophysical properties (such as structural, functional, and spatial information, amino acid conservation, physicochemical variation, residue mobility, and thermodynamic stability) performed at Invitae indicates that this missense variant is not expected to disrupt CLCN7 protein function with a negative predictive value of 95%. In summary, the available evidence is currently insufficient to determine the role of this variant in disease. Therefore, it has been classified as a Variant of Uncertain Significance.